The following is an entry in ClinVar:

ClinVar aggregate classification (germline): Uncertain significance. Review status: criteria provided, multiple submitters, no conflicts (2 of 4 stars). 2 submissions from 2 submitters: Uncertain significance (2). Last evaluated 2021-07-17.

Conditions:
Kabuki syndrome 2 (KABUK2). Also called: KDM6A-Related Kabuki Syndrome. Identifiers: Orphanet 2322, MedGen C3275495, MONDO:0010465, OMIM 300867.

Allele frequency attached by ClinVar (database versions not stated): ExAC 0.00001; gnomAD exomes 0.00001; TOPMed 0.00001.
gnomAD v4.1: 10 of 1,203,433 alleles (0.00083%); highest among the groups gnomAD compares: South Asian, 0.0018%; no homozygotes.

Submissions (2):

Labcorp Genetics (formerly Invitae), Labcorp
Classification: Uncertain significance for Kabuki syndrome 2. Last evaluated: 2021-07-17. Review status: criteria provided, single submitter. Criteria: Invitae Variant Classification Sherloc (09022015). Collection method: clinical testing. Allele origin: germline.
Comment: In summary, the available evidence is currently insufficient to determine the role of this variant in disease. Therefore, it has been classified as a Variant of Uncertain Significance. Algorithms developed to predict the effect of missense changes on protein structure and function (SIFT, PolyPhen-2, Align-GVGD) all suggest that this variant is likely to be disruptive, but these predictions have not been confirmed by published functional studies and their clinical significance is uncertain. This variant has not been reported in the literature in individuals with KDM6A-related conditions. This variant is present in population databases (rs746746824, ExAC 0.003%). This sequence change replaces arginine with glutamine at codon 393 of the KDM6A protein (p.Arg393Gln). The arginine residue is highly conserved and there is a small physicochemical difference between arginine and glutamine.

GeneDx
Classification: Uncertain significance. Last evaluated: 2019-04-23. Review status: criteria provided, single submitter. Criteria: GeneDx Variant Classification Process June 2021. Collection method: clinical testing. Allele origin: germline. Affected: yes.
Comment: In silico analysis, which includes protein predictors and evolutionary conservation, supports a deleterious effect; Has not been previously published as pathogenic or benign to our knowledge

NM_001291415.2(KDM6A):c.1178G>A (p.Arg393Gln)

Gene: KDM6A (lysine demethylase 6A; plus strand). Cytogenetic location: Xp11.3.
Variant type: single nucleotide variant.
Coding change: c.1178G>A on transcript NM_001291415.2 (MANE Select); coding-DNA position 1178, G replaced by A.
Protein change: p.Arg393Gln; replaces arginine 393 with glutamine.
Molecular consequence: missense variant. On other transcripts: non-coding transcript variant (1).
Genome position (GRCh38, 1-based): chrX:45,059,450, G>A. VCF-style: chrX-45059450-G-A. GRCh37 (hg19) VCF-style: chrX-44918695-G-A.
Other names: c.1178G>A, p.Arg393Gln (NM_001291416.2, NM_001291417.2, NM_001291418.2 and 1 more transcripts); c.425G>A, p.Arg142Gln (NM_001291421.2); short protein forms R142Q, R393Q.
Identifiers: ClinVar variation 1220512 (VCV001220512.11), dbSNP rs746746824, ClinGen allele CA10392321.
Genomic context (GRCh38, chrX:45,059,450, plus strand): 5'-AATGCTACTTAAATGCAACTAGAAGCAAAAGTTGTAGTAATACCTCTGCACTTGCAGCAC[G>A]AATTAAGTATTTACAGGTAAAATTTTTAAATGGCAGTTTTTTAAAGCCACATATTTCCCC-3'
Protein context (NP_001278344.1, residues 383-403): SCSNTSALAA[Arg393Gln]IKYLQAQLCN